The following is an entry in ClinVar:

ClinVar aggregate classification (germline): Uncertain significance. Review status: criteria provided, multiple submitters, no conflicts (2 of 4 stars). 2 submissions from 2 submitters: Uncertain significance (2). Last evaluated 2023-02-24.

Allele frequency attached by ClinVar (database versions not stated): ExAC 0.00001; gnomAD exomes 0.00001; TOPMed 0.00001.
gnomAD v4.1: 9 of 1,614,132 alleles (0.00056%); highest among the groups gnomAD compares: East Asian, 0.0022%; no homozygotes.

Submissions (2):

Blueprint Genetics
Classification: Uncertain significance. Last evaluated: 2023-02-24. Review status: criteria provided, single submitter. Criteria: ACMG Guidelines, 2015. Collection method: clinical testing. Allele origin: germline.

Labcorp Genetics (formerly Invitae), Labcorp
Classification: Uncertain significance. Last evaluated: 2022-04-07. Review status: criteria provided, single submitter. Criteria: Invitae Variant Classification Sherloc (09022015). Collection method: clinical testing. Allele origin: germline.
Comment: This sequence change replaces arginine, which is basic and polar, with tryptophan, which is neutral and slightly polar, at codon 439 of the PRPF4 protein (p.Arg439Trp). In summary, the available evidence is currently insufficient to determine the role of this variant in disease. Therefore, it has been classified as a Variant of Uncertain Significance. Algorithms developed to predict the effect of missense changes on protein structure and function are either unavailable or do not agree on the potential impact of this missense change (SIFT: "Deleterious"; PolyPhen-2: "Probably Damaging"; Align-GVGD: "Class C15"). This variant has not been reported in the literature in individuals affected with PRPF4-related conditions. This variant is present in population databases (rs751539008, gnomAD 0.002%).

NM_001244926.2(PRPF4):c.1312C>T (p.Arg438Trp)

Gene: PRPF4 (pre-mRNA splicing tri-snRNP complex factor PRPF4; plus strand). Cytogenetic location: 9q32.
Variant type: single nucleotide variant.
Coding change: c.1312C>T on transcript NM_001244926.2 (MANE Select); coding-DNA position 1312, C replaced by T.
Protein change: p.Arg438Trp; replaces arginine 438 with tryptophan.
Molecular consequence: missense variant. On other transcripts: non-coding transcript variant (2).
Genome position (GRCh38, 1-based): chr9:113,290,956, C>T. VCF-style: chr9-113290956-C-T. GRCh37 (hg19) VCF-style: chr9-116053236-C-T.
Other names: c.586C>T, p.Arg196Trp (NM_001322266.2, NM_001322267.2); c.1315C>T, p.Arg439Trp (NM_004697.5); short protein forms R438W, R196W, R439W.
Identifiers: ClinVar variation 1967273 (VCV001967273.6), dbSNP rs751539008, ClinGen allele CA5195149.